The following is an entry in ClinVar:

NM_020822.3(KCNT1):c.-16C>T

Gene: KCNT1 (potassium sodium-activated channel subfamily T member 1; plus strand). Cytogenetic location: 9q34.3.
Variant type: single nucleotide variant.
Coding change: c.-16C>T on transcript NM_020822.3 (MANE Select); 16 bases upstream of the start codon, C replaced by T.
Molecular consequence: 5 prime UTR variant.
Genome position (GRCh38, 1-based): chr9:135,702,243, C>T. VCF-style: chr9-135702243-C-T. GRCh37 (hg19) VCF-style: chr9-138594089-C-T.
Other names: c.-16C>T (NM_001272003.2).
Identifiers: ClinVar variation 508672 (VCV000508672.1), dbSNP rs562987416, ClinGen allele CA5326211.

ClinVar aggregate classification (germline): Likely benign (1 of 4 stars; one submission).

Allele frequency attached by ClinVar (database versions not stated): gnomAD 0.00001 and 0.00003; TOPMed 0.00002; gnomAD exomes 0.00005; ExAC 0.00007; 1000 Genomes Project 0.00060; 1000 Genomes Project 30x 0.00062.
gnomAD v4.1: 46 of 1,596,166 alleles (0.0029%); highest among the groups gnomAD compares: East Asian, 0.095%; no homozygotes.

Submission:

GeneDx
Classification: Likely benign. Last evaluated: 2017-11-27. Review status: criteria provided, single submitter. Criteria: GeneDx Variant Classification (06012015). Collection method: clinical testing. Allele origin: germline. Affected: yes.
Comment: This variant is considered likely benign or benign based on one or more of the following criteria: it is a conservative change, it occurs at a poorly conserved position in the protein, it is predicted to be benign by multiple in silico algorithms, and/or has population frequency not consistent with disease.